The following is an entry in ClinVar:

ClinVar aggregate classification (germline): Benign/Likely benign. Review status: criteria provided, multiple submitters, no conflicts (2 of 4 stars). 3 submissions from 3 submitters: Benign (1); Likely benign (2). Last evaluated 2026-07-09.

Conditions:
Hereditary cancer-predisposing syndrome. Also called: Neoplastic Syndromes, Hereditary; Tumor predisposition; Hereditary Cancer Syndrome; Hereditary neoplastic syndrome. Identifiers: Orphanet 140162, MedGen C0027672, MeSH D009386, MONDO:0015356.
Rhabdoid tumor predisposition syndrome 2 (RTPS2). Identifiers: Orphanet 231108, Orphanet 69077, MedGen C2750074, MONDO:0013224, OMIM 613325.

Submissions (3):

Myriad Genetics, Inc.
Classification: Benign for Rhabdoid tumor predisposition syndrome 2. Last evaluated: 2026-07-09. Review status: criteria provided, single submitter. Criteria: Myriad Autosomal Dominant, Autosomal Recessive and X-Linked Classification Criteria (2023). Collection method: clinical testing. Allele origin: unknown.
Comment: This variant is considered benign. This variant is a silent/synonymous amino acid change and it is not expected to impact splicing.

Ambry Genetics
Classification: Likely benign for Hereditary cancer-predisposing syndrome. Last evaluated: 2025-04-11. Review status: criteria provided, single submitter. Criteria: Ambry Variant Classification Scheme 2023. Collection method: clinical testing. Allele origin: germline.

Labcorp Genetics (formerly Invitae), Labcorp
Classification: Likely benign for Rhabdoid tumor predisposition syndrome 2. Last evaluated: 2024-06-10. Review status: criteria provided, single submitter. Criteria: Invitae Variant Classification Sherloc (09022015). Collection method: clinical testing. Allele origin: germline.

NM_003072.5(SMARCA4):c.537G>A (p.Gln179=)

Gene: SMARCA4 (SWI/SNF related BAF chromatin remodeling complex subunit ATPase 4; plus strand). Cytogenetic location: 19p13.2.
Variant type: single nucleotide variant.
Coding change: c.537G>A on transcript NM_003072.5 (MANE Select); coding-DNA position 537, G replaced by A.
Protein change: p.Gln179=; no amino-acid change (glutamine 179 retained).
Molecular consequence: synonymous variant. On other transcripts: non-coding transcript variant (1).
Genome position (GRCh38, 1-based): chr19:10,986,370, G>A. VCF-style: chr19-10986370-G-A. GRCh37 (hg19) VCF-style: chr19-11097046-G-A.
Other names: c.537G>A (NM_001128849.1); c.537G>A, p.Gln179= (NM_001128844.3, NM_001128845.2, NM_001128846.2 and 6 more transcripts).
Identifiers: ClinVar variation 2132992 (VCV002132992.6), dbSNP rs1331896481, ClinGen allele CA505743943.
Genomic context (GRCh38, chr19:10,986,370, plus strand): 5'-CCAGGCCTTGGGGCAGCAGAACCGGGGCCCAACCCCATTTAACCAGAACCAGCTGCACCA[G>A]CTCAGAGCTCAGATCATGGCCTACAAGATGCTGGCCAGGGGGCAGCCCCTCCCCGACCAC-3'
Protein context (NP_003063.2, residues 169-189): PTPFNQNQLH[Gln179=]LRAQIMAYKM